The following is an entry in ClinVar:

NM_001006935.3(TCEAL4):c.204G>A (p.Glu68=)

Gene: TCEAL4 (transcription elongation factor A like 4; plus strand). Cytogenetic location: Xq22.2.
Variant type: single nucleotide variant.
Coding change: c.204G>A on transcript NM_001006935.3 (MANE Select); coding-DNA position 204, G replaced by A.
Protein change: p.Glu68=; no amino-acid change (glutamic acid 68 retained).
Molecular consequence: synonymous variant.
Genome position (GRCh38, 1-based): chrX:103,586,879, G>A. VCF-style: chrX-103586879-G-A. GRCh37 (hg19) VCF-style: chrX-102841807-G-A.
Other names: c.204G>A, p.Glu68= (NM_001006937.3, NM_001305840.2, NM_001305841.2 and 2 more transcripts); c.633G>A, p.Glu211= (NM_001300901.2).
Identifiers: ClinVar variation 2661097 (VCV002661097.24), dbSNP rs751672952, ClinGen allele CA10478228.
Genomic context (GRCh38, chrX:103,586,879, plus strand): 5'-AAACAAGGGCAAAACAGGAGATGAGGAAATGTTAAAGGATAAAGGAAAGCCAGAGAGTGA[G>A]GGAGAGGCAAAAGAAGGAAAGTCAGAGAGGGAGGGAGAGTCAGAGATGGAGGGAGGATCA-3'
Protein context (NP_001006936.1, residues 58-78): MLKDKGKPES[Glu68=]GEAKEGKSER

ClinVar aggregate classification (germline): Likely benign (1 of 4 stars; one submission).

Allele frequency attached by ClinVar (database versions not stated): gnomAD 0.00001; gnomAD exomes 0.00002; 1000 Genomes Project 30x 0.00021; 1000 Genomes Project 0.00026.
gnomAD v4.1: 19 of 1,194,412 alleles (0.0016%); highest among the groups gnomAD compares: African/African-American, 0.012%; no homozygotes.

Submission:

CeGaT Center for Human Genetics Tuebingen
Classification: Likely benign. Last evaluated: 2022-12-01. Review status: criteria provided, single submitter. Criteria: CeGaT Center For Human Genetics Tuebingen Variant Classification Criteria Version 2. Collection method: clinical testing. Allele origin: germline. Affected: yes. Observed: 1 variant allele.
Comment: TCEAL4: BP4, BP7